The following is an entry in ClinVar:

NM_001458.5(FLNC):c.6810G>A (p.Glu2270=)

Genes: FLNC (filamin C; plus strand), FLNC-AS1 (FLNC antisense RNA 1; minus strand). Cytogenetic location: 7q32.1.
Variant type: single nucleotide variant.
Coding change: c.6810G>A on transcript NM_001458.5 (MANE Select); coding-DNA position 6810, G replaced by A.
Protein change: p.Glu2270=; no amino-acid change (glutamic acid 2270 retained).
Molecular consequence: synonymous variant.
Genome position (GRCh38, 1-based): chr7:128,854,495, G>A. VCF-style: chr7-128854495-G-A. GRCh37 (hg19) VCF-style: chr7-128494549-G-A.
Other names: c.6711G>A, p.Glu2237= (NM_001127487.2).
Identifiers: ClinVar variation 539516 (VCV000539516.15), dbSNP rs745858001, ClinGen allele CA4476097.

ClinVar aggregate classification (germline): Likely benign. Review status: criteria provided, multiple submitters, no conflicts (2 of 4 stars). 3 submissions from 3 submitters: Likely benign (3). Last evaluated 2026-09-01.

Conditions:
Cardiovascular phenotype. Identifiers: MedGen CN230736.
Distal myopathy with posterior leg and anterior hand involvement. Also called: WILLIAMS DISTAL MYOPATHY. Identifiers: Orphanet 63273, MedGen C3279722, MONDO:0013550, OMIM 614065.
Myofibrillar myopathy 5. Also called: Filaminopathy (type); FILAMINOPATHY, AUTOSOMAL DOMINANT. Identifiers: Orphanet 171445, MedGen C1836050, MONDO:0012289, OMIM 609524.
Hypertrophic cardiomyopathy 26. Also called: Cardiomyopathy, familial hypertrophic, 26. Identifiers: Orphanet 75249, MedGen C4310749, MONDO:0014883, OMIM 617047.

Allele frequency attached by ClinVar (database versions not stated): gnomAD 0.00001; TOPMed 0.00003; gnomAD exomes 0.00006 and 0.00014; ExAC 0.00011; 1000 Genomes Project 30x 0.00031.
gnomAD v4.1: 38 of 1,606,038 alleles (0.0024%); highest among the groups gnomAD compares: Admixed American, 0.056%; no homozygotes.

Submissions (3):

CeGaT Center for Human Genetics Tuebingen
Classification: Likely benign. Last evaluated: 2026-09-01. Review status: criteria provided, single submitter. Criteria: CeGaT Center For Human Genetics Tuebingen Variant Classification Criteria Version 2. Collection method: clinical testing. Allele origin: germline. Affected: yes. Observed: 2 variant alleles.
Comment: FLNC: BP4, BP7

Labcorp Genetics (formerly Invitae), Labcorp
Classification: Likely benign for Distal myopathy with posterior leg and anterior hand involvement; Myofibrillar myopathy 5; Hypertrophic cardiomyopathy 26. Last evaluated: 2026-01-19. Review status: criteria provided, single submitter. Criteria: Invitae Variant Classification Sherloc (09022015). Collection method: clinical testing. Allele origin: germline.

Ambry Genetics
Classification: Likely benign for Cardiovascular phenotype. Last evaluated: 2019-08-20. Review status: criteria provided, single submitter. Criteria: Ambry Variant Classification Scheme 2023. Collection method: clinical testing. Allele origin: germline.